The following is an entry in ClinVar:

NM_001367943.1(TCF7L2):c.1141A>C (p.Asn381His)

Gene: TCF7L2 (transcription factor 7 like 2; plus strand). Cytogenetic location: 10q25.3.
Variant type: single nucleotide variant.
Coding change: c.1141A>C on transcript NM_001367943.1 (MANE Select); coding-DNA position 1141, A replaced by C.
Protein change: p.Asn381His; replaces asparagine 381 with histidine.
Molecular consequence: missense variant.
Genome position (GRCh38, 1-based): chr10:113,151,864, A>C. VCF-style: chr10-113151864-A-C. GRCh37 (hg19) VCF-style: chr10-114911623-A-C.
Other names: c.1141A>C, p.Asn381His (NM_001146274.2, NM_001198531.2, NM_001363501.2); c.1213A>C, p.Asn405His (NM_001146283.2); c.1060A>C, p.Asn354His (NM_001146284.2, NM_001198527.2); c.1072A>C, p.Asn358His (NM_001146285.2, NM_001146286.2, NM_001198526.2 and 3 more transcripts); c.1087A>C, p.Asn363His (NM_001198525.2); c.970A>C, p.Asn324His (NM_001198530.2); c.712A>C, p.Asn238His (NM_001349870.2); c.592A>C, p.Asn198His (NM_001349871.1); short protein forms N198H, N238H, N324H, N354H, N358H, N363H, N381H, N405H.
Identifiers: ClinVar variation 2501984 (VCV002501984.1), dbSNP rs2544361550, ClinGen allele CA378409260.

ClinVar aggregate classification (germline): Uncertain significance (1 of 4 stars; one submission).

Submission:

GeneDx
Classification: Uncertain significance. Last evaluated: 2022-07-21. Review status: criteria provided, single submitter. Criteria: GeneDx Variant Classification Process June 2021. Collection method: clinical testing. Allele origin: germline. Affected: yes.
Comment: Not observed at significant frequency in large population cohorts (gnomAD); In silico analysis supports that this missense variant has a deleterious effect on protein structure/function; Has not been previously published as pathogenic or benign to our knowledge; Variants in candidate genes are classified as variants of uncertain significance in accordance with ACMG guidelines (Richards et al., 2015)